The following is an entry in ClinVar:

ClinVar aggregate classification (germline): Likely pathogenic (1 of 4 stars; one submission).

Submission:

Labcorp Genetics (formerly Invitae), Labcorp
Classification: Likely pathogenic. Last evaluated: 2025-12-01. Review status: criteria provided, single submitter. Criteria: Invitae Variant Classification Sherloc (09022015). Collection method: clinical testing. Allele origin: germline.
Comment: This sequence change affects a donor splice site in intron 1 of the ABHD12 gene. It is expected to disrupt RNA splicing. Variants that disrupt the donor or acceptor splice site typically lead to a loss of protein function (PMID: 16199547), and loss-of-function variants in ABHD12 are known to be pathogenic (PMID: 20797687). This variant is not present in population databases (gnomAD no frequency). This variant has not been reported in the literature in individuals affected with ABHD12-related conditions. Algorithms developed to predict the effect of sequence changes on RNA splicing suggest that this variant may disrupt the consensus splice site. In summary, the currently available evidence indicates that the variant is pathogenic, but additional data are needed to prove that conclusively. Therefore, this variant has been classified as Likely Pathogenic.

Literature cited by the submitters: PubMed 16199547; PubMed 20797687.

NM_001042472.3(ABHD12):c.191+2T>A

Gene: ABHD12 (abhydrolase domain containing 12, lysophospholipase; minus strand). Cytogenetic location: 20p11.21.
Variant type: single nucleotide variant.
Coding change: c.191+2T>A on transcript NM_001042472.3 (MANE Select); the canonical splice donor site of the intron after coding-DNA position 191, T replaced by A.
Molecular consequence: splice donor variant.
Genome position (GRCh38, 1-based): chr20:25,390,511, A>T on the plus strand (T>A on the coding strand, the complement: ABHD12 is on the minus strand). VCF-style: chr20-25390511-A-T. GRCh37 (hg19) VCF-style: chr20-25371147-A-T.
Other names: c.191+2T>A (NM_015600.5).
Identifiers: ClinVar variation 4731982 (VCV004731982.1).